The following is an entry in ClinVar:

ClinVar aggregate classification (germline): Uncertain significance (1 of 4 stars; one submission).

Allele frequency attached by ClinVar (database versions not stated): gnomAD exomes below 0.00001; gnomAD 0.00001.

Submission:

Labcorp Genetics (formerly Invitae), Labcorp
Classification: Uncertain significance. Last evaluated: 2024-05-22. Review status: criteria provided, single submitter. Criteria: Invitae Variant Classification Sherloc (09022015). Collection method: clinical testing. Allele origin: germline.
Comment: This sequence change replaces glycine, which is neutral and non-polar, with aspartic acid, which is acidic and polar, at codon 220 of the CFD protein (p.Gly220Asp). This variant is present in population databases (no rsID available, gnomAD 0.002%). This variant has not been reported in the literature in individuals affected with CFD-related conditions. ClinVar contains an entry for this variant (Variation ID: 1955449). An algorithm developed to predict the effect of missense changes on protein structure and function (PolyPhen-2) suggests that this variant is likely to be disruptive. In summary, the available evidence is currently insufficient to determine the role of this variant in disease. Therefore, it has been classified as a Variant of Uncertain Significance.

NM_001928.4(CFD):c.659G>A (p.Gly220Asp)

Gene: CFD (complement factor D; plus strand). Cytogenetic location: 19p13.3.
Variant type: single nucleotide variant.
Coding change: c.659G>A on transcript NM_001928.4 (MANE Select); coding-DNA position 659, G replaced by A.
Protein change: p.Gly220Asp; replaces glycine 220 with aspartic acid.
Molecular consequence: missense variant.
Genome position (GRCh38, 1-based): chr19:863,135, G>A. VCF-style: chr19-863135-G-A. GRCh37 (hg19) VCF-style: chr19-863135-G-A.
Other names: c.680G>A, p.Gly227Asp (NM_001317335.2); short protein forms G227D, G220D.
Identifiers: ClinVar variation 1955449 (VCV001955449.5), dbSNP rs1048722624, ClinGen allele CA402923646.